The following is an entry in ClinVar:

NM_001458.5(FLNC):c.5358C>G (p.Asn1786Lys)

Genes: FLNC (filamin C; plus strand), FLNC-AS1 (FLNC antisense RNA 1; minus strand). Cytogenetic location: 7q32.1.
Variant type: single nucleotide variant.
Coding change: c.5358C>G on transcript NM_001458.5 (MANE Select); coding-DNA position 5358, C replaced by G.
Protein change: p.Asn1786Lys; replaces asparagine 1786 with lysine.
Molecular consequence: missense variant.
Genome position (GRCh38, 1-based): chr7:128,850,443, C>G. VCF-style: chr7-128850443-C-G. GRCh37 (hg19) VCF-style: chr7-128490497-C-G.
Other names: c.5259C>G, p.Asn1753Lys (NM_001127487.2); short protein forms N1753K, N1786K.
Identifiers: ClinVar variation 950161 (VCV000950161.10), dbSNP rs1311819055, ClinGen allele CA369205199.

ClinVar aggregate classification (germline): Uncertain significance (1 of 4 stars; one submission).

Conditions:
Myofibrillar myopathy 5. Also called: FILAMINOPATHY, AUTOSOMAL DOMINANT; Filaminopathy (type). Identifiers: Orphanet 171445, MedGen C1836050, MONDO:0012289, OMIM 609524.
Distal myopathy with posterior leg and anterior hand involvement. Also called: WILLIAMS DISTAL MYOPATHY. Identifiers: Orphanet 63273, MedGen C3279722, MONDO:0013550, OMIM 614065.
Hypertrophic cardiomyopathy 26. Also called: Cardiomyopathy, familial hypertrophic, 26. Identifiers: Orphanet 75249, MedGen C4310749, MONDO:0014883, OMIM 617047.

Submission:

Labcorp Genetics (formerly Invitae), Labcorp
Classification: Uncertain significance for Distal myopathy with posterior leg and anterior hand involvement; Myofibrillar myopathy 5; Hypertrophic cardiomyopathy 26. Last evaluated: 2019-07-12. Review status: criteria provided, single submitter. Criteria: Invitae Variant Classification Sherloc (09022015). Collection method: clinical testing. Allele origin: germline.
Comment: This sequence change replaces asparagine with lysine at codon 1786 of the FLNC protein (p.Asn1786Lys). The asparagine residue is highly conserved and there is a moderate physicochemical difference between asparagine and lysine. This variant is not present in population databases (ExAC no frequency). This variant has not been reported in the literature in individuals with FLNC-related conditions. Algorithms developed to predict the effect of missense changes on protein structure and function are either unavailable or do not agree on the potential impact of this missense change (SIFT: "Tolerated"; PolyPhen-2: "Possibly Damaging"; Align-GVGD: "Class C0"). In summary, the available evidence is currently insufficient to determine the role of this variant in disease. Therefore, it has been classified as a Variant of Uncertain Significance.